The following is an entry in ClinVar:

ClinVar aggregate classification (germline): Pathogenic. Review status: criteria provided, single submitter (1 of 4 stars). 2 submissions from 2 submitters: Pathogenic (1). 1 of the submissions does not count toward it. Last evaluated 2025-06-05.

Conditions:
Enterokinase deficiency. Also called: ENTEROPEPTIDASE DEFICIENCY; Congenital enteropathy due to enteropeptidase deficiency; Deficiency of enteropeptidase. Identifiers: Orphanet 168601, MedGen C0268416, MONDO:0009173, OMIM 226200.

Allele frequency attached by ClinVar (database versions not stated): TOPMed 0.00001; gnomAD 0.00004 and 0.00003; gnomAD exomes 0.00001 and 0.00003.
gnomAD v4.1: 41 of 1,613,660 alleles (0.0025%); highest among the groups gnomAD compares: Non-Finnish European, 0.0034%; no homozygotes.

Submissions (2):

Labcorp Genetics (formerly Invitae), Labcorp
Classification: Pathogenic. Last evaluated: 2025-06-05. Review status: criteria provided, single submitter. Criteria: Invitae Variant Classification Sherloc (09022015). Collection method: clinical testing. Allele origin: germline.
Comment: This sequence change creates a premature translational stop signal (p.Arg857*) in the TMPRSS15 gene. It is expected to result in an absent or disrupted protein product. Loss-of-function variants in TMPRSS15 are known to be pathogenic (PMID: 11719902). This variant is present in population databases (rs121908059, gnomAD 0.004%). This premature translational stop signal has been observed in individual(s) with congenital enteropeptidase deficiency (PMID: 11719902). ClinVar contains an entry for this variant (Variation ID: 4165). Algorithms developed to predict the effect of sequence changes on RNA splicing suggest that this variant may disrupt the consensus splice site. For these reasons, this variant has been classified as Pathogenic.

OMIM
Classification: Pathogenic for ENTEROKINASE DEFICIENCY. Last evaluated: 2002-01-01. Review status: no assertion criteria provided. Collection method: literature only. Allele origin: germline. Not counted in ClinVar's aggregate classification.

Literature cited by the submitters: PubMed 11719902 (cited by Labcorp Genetics (formerly Invitae), Labcorp and OMIM).

NM_002772.3(TMPRSS15):c.2569C>T (p.Arg857Ter)

Gene: TMPRSS15 (transmembrane serine protease 15; minus strand). Cytogenetic location: 21q21.1.
Variant type: single nucleotide variant.
Coding change: c.2569C>T on transcript NM_002772.3 (MANE Select); coding-DNA position 2569, C replaced by T.
Protein change: p.Arg857Ter; replaces arginine 857 with a stop codon.
Molecular consequence: nonsense.
Genome position (GRCh38, 1-based): chr21:18,281,139, G>A on the plus strand (C>T on the coding strand, the complement: TMPRSS15 is on the minus strand). VCF-style: chr21-18281139-G-A. GRCh37 (hg19) VCF-style: chr21-19653456-G-A.
Other names: short protein forms R857*.
Identifiers: ClinVar variation 4165 (VCV000004165.3), dbSNP rs121908059, ClinGen allele CA116668.